The following is an entry in ClinVar:

ClinVar aggregate classification (germline): Uncertain significance (1 of 4 stars; one submission).

Conditions:
NIK deficiency. Also called: Primary immunodeficiency with multifaceted aberrant lymphoid immunity. Identifiers: Orphanet 447731, MedGen C5680065, MONDO:0018642.

Allele frequency attached by ClinVar (database versions not stated): ExAC 0.00001; gnomAD exomes 0.00002; TOPMed 0.00002.
gnomAD v4.1: 6 of 1,606,442 alleles (0.00037%); highest among the groups gnomAD compares: Admixed American, 0.01%; no homozygotes.

Submission:

Labcorp Genetics (formerly Invitae), Labcorp
Classification: Uncertain significance for NIK deficiency. Last evaluated: 2022-11-15. Review status: criteria provided, single submitter. Criteria: Invitae Variant Classification Sherloc (09022015). Collection method: clinical testing. Allele origin: germline.
Comment: In summary, the available evidence is currently insufficient to determine the role of this variant in disease. Therefore, it has been classified as a Variant of Uncertain Significance. Experimental studies and prediction algorithms are not available or were not evaluated, and the functional significance of this variant is currently unknown. ClinVar contains an entry for this variant (Variation ID: 1479630). This variant has not been reported in the literature in individuals affected with MAP3K14-related conditions. This variant is present in population databases (rs776212544, gnomAD 0.02%). This sequence change replaces alanine with valine at codon 361 of the MAP3K14 protein (p.Ala361Val). The alanine residue is highly conserved and there is a moderate physicochemical difference between alanine and valine.

NM_003954.5(MAP3K14):c.1082C>T (p.Ala361Val)

Gene: MAP3K14 (mitogen-activated protein kinase kinase kinase 14; minus strand). Cytogenetic location: 17q21.31.
Variant type: single nucleotide variant.
Coding change: c.1082C>T on transcript NM_003954.5 (MANE Select); coding-DNA position 1082, C replaced by T.
Protein change: p.Ala361Val; replaces alanine 361 with valine.
Molecular consequence: missense variant.
Genome position (GRCh38, 1-based): chr17:45,286,501, G>A on the plus strand (C>T on the coding strand, the complement: MAP3K14 is on the minus strand). VCF-style: chr17-45286501-G-A. GRCh37 (hg19) VCF-style: chr17-43363868-G-A.
Other names: short protein forms A361V.
Identifiers: ClinVar variation 1479630 (VCV001479630.6), dbSNP rs776212544, ClinGen allele CA8614228.